The following is an entry in ClinVar:

ClinVar aggregate classification (germline): Likely benign (1 of 4 stars; one submission).

Submission:

CeGaT Center for Human Genetics Tuebingen
Classification: Likely benign. Last evaluated: 2026-02-01. Review status: criteria provided, single submitter. Criteria: CeGaT Center For Human Genetics Tuebingen Variant Classification Criteria Version 2. Collection method: clinical testing. Allele origin: germline. Affected: yes. Observed: 1 variant allele.
Comment: AMER1: PM2:Supporting, BP4, BP7

NM_152424.4(AMER1):c.2352C>T (p.Ser784=)

Gene: AMER1 (APC membrane recruitment protein 1; minus strand). Cytogenetic location: Xq11.2.
Variant type: single nucleotide variant.
Coding change: c.2352C>T on transcript NM_152424.4 (MANE Select); coding-DNA position 2352, C replaced by T.
Protein change: p.Ser784=; no amino-acid change (serine 784 retained).
Molecular consequence: synonymous variant.
Genome position (GRCh38, 1-based): chrX:64,190,935, G>A on the plus strand (C>T on the coding strand, the complement: AMER1 is on the minus strand). VCF-style: chrX-64190935-G-A. GRCh37 (hg19) VCF-style: chrX-63410815-G-A.
Identifiers: ClinVar variation 4822229 (VCV004822229.4).